The following is an entry in ClinVar:

NM_000026.4(ADSL):c.1053A>G (p.Ile351Met)

Gene: ADSL (adenylosuccinate lyase; plus strand). Cytogenetic location: 22q13.1.
Variant type: single nucleotide variant.
Coding change: c.1053A>G on transcript NM_000026.4 (MANE Select); coding-DNA position 1053, A replaced by G.
Protein change: p.Ile351Met; replaces isoleucine 351 with methionine.
Molecular consequence: missense variant. On other transcripts: non-coding transcript variant (1).
Genome position (GRCh38, 1-based): chr22:40,363,023, A>G. VCF-style: chr22-40363023-A-G. GRCh37 (hg19) VCF-style: chr22-40759027-A-G.
Other names: c.1053A>G, p.Ile351Met (NM_001123378.3, NM_001363840.3); c.861A>G, p.Ile287Met (NM_001317923.2); short protein forms I287M, I351M.
Identifiers: ClinVar variation 998397 (VCV000998397.6), dbSNP rs151095874, ClinGen allele CA10247898.

ClinVar aggregate classification (germline): Uncertain significance (1 of 4 stars; one submission).

Conditions:
Adenylosuccinate lyase deficiency (ADSLD). Also called: ADSL DEFICIENCY. Identifiers: Orphanet 46, MedGen C0268126, MONDO:0007068, OMIM 103050.

Allele frequency attached by ClinVar (database versions not stated): gnomAD 0.00001 and 0.00002; ExAC 0.00002; gnomAD exomes 0.00002 and 0.00005; TOPMed 0.00002; ESP Exome Variant Server 0.00008.

Submission:

Labcorp Genetics (formerly Invitae), Labcorp
Classification: Uncertain significance for Adenylosuccinate lyase deficiency. Last evaluated: 2022-03-19. Review status: criteria provided, single submitter. Criteria: Invitae Variant Classification Sherloc (09022015). Collection method: clinical testing. Allele origin: germline.
Comment: This sequence change replaces isoleucine, which is neutral and non-polar, with methionine, which is neutral and non-polar, at codon 351 of the ADSL protein (p.Ile351Met). This variant is present in population databases (rs151095874, gnomAD 0.004%). This variant has not been reported in the literature in individuals affected with ADSL-related conditions. ClinVar contains an entry for this variant (Variation ID: 998397). Advanced modeling of protein sequence and biophysical properties (such as structural, functional, and spatial information, amino acid conservation, physicochemical variation, residue mobility, and thermodynamic stability) performed at Invitae indicates that this missense variant is expected to disrupt ADSL protein function. In summary, the available evidence is currently insufficient to determine the role of this variant in disease. Therefore, it has been classified as a Variant of Uncertain Significance.